The following is an entry in ClinVar:

ClinVar aggregate classification (germline): Conflicting classifications of pathogenicity. Review status: criteria provided, conflicting classifications (1 of 4 stars). 6 submissions from 6 submitters: Uncertain significance (1); Likely benign (4). 1 of the submissions does not count toward it. Last evaluated 2026-01-20.

Conditions:
ASPM-related disorder. Also called: ASPM-related condition.
Microcephaly 5, primary, autosomal recessive (MCPH5). Also called: ASPM Primary Microcephaly. Identifiers: Orphanet 2512, MedGen C1837501, MONDO:0012106, OMIM 608716.

Allele frequency attached by ClinVar (database versions not stated): 1000 Genomes Project 30x 0.00078; 1000 Genomes Project 0.00080; gnomAD 0.00150; TOPMed 0.00151; ESP Exome Variant Server 0.00185.
gnomAD v4.1: 409 of 1,612,516 alleles (0.025%); highest among the groups gnomAD compares: African/African-American, 0.45%; no homozygotes.

Submissions (6):

Labcorp Genetics (formerly Invitae), Labcorp
Classification: Likely benign. Last evaluated: 2026-01-20. Review status: criteria provided, single submitter. Criteria: Invitae Variant Classification Sherloc (09022015). Collection method: clinical testing. Allele origin: germline.

GeneDx
Classification: Likely benign. Last evaluated: 2020-06-01. Review status: criteria provided, single submitter. Criteria: GeneDx Variant Classification Process June 2021. Collection method: clinical testing. Allele origin: germline. Affected: yes.

Illumina Laboratory Services, Illumina
Classification: Uncertain significance for Microcephaly 5, primary, autosomal recessive. Last evaluated: 2018-01-13. Review status: criteria provided, single submitter. Criteria: ICSL Variant Classification Criteria 13 December 2019. Collection method: clinical testing. Allele origin: germline.

Eurofins Ntd Llc (ga)
Classification: Likely benign. Last evaluated: 2017-06-13. Review status: criteria provided, single submitter. Criteria: EGL Classification Definitions 2015. Collection method: clinical testing. Allele origin: germline. Observed: 3 variant alleles, 3 heterozygotes.

Genetic Services Laboratory, University of Chicago
Classification: Likely benign. Last evaluated: 2017-04-21. Review status: criteria provided, single submitter. Criteria: ACMG Guidelines, 2015. Collection method: clinical testing. Allele origin: germline. Affected: no.

PreventionGenetics, part of Exact Sciences
Classification: Likely benign for ASPM-related condition. Last evaluated: 2019-09-10. Review status: no assertion criteria provided. Collection method: clinical testing. Allele origin: germline. Not counted in ClinVar's aggregate classification.
Comment: This variant is classified as likely benign based on ACMG/AMP sequence variant interpretation guidelines (Richards et al. 2015 PMID: 25741868, with internal and published modifications).

NM_018136.5(ASPM):c.5299G>C (p.Ala1767Pro)

Gene: ASPM (assembly factor for spindle microtubules; minus strand). Cytogenetic location: 1q31.3.
Variant type: single nucleotide variant.
Coding change: c.5299G>C on transcript NM_018136.5 (MANE Select); coding-DNA position 5299, G replaced by C.
Protein change: p.Ala1767Pro; replaces alanine 1767 with proline.
Molecular consequence: missense variant. On other transcripts: intron variant (1).
Genome position (GRCh38, 1-based): chr1:197,103,952, C>G on the plus strand (G>C on the coding strand, the complement: ASPM is on the minus strand). VCF-style: chr1-197103952-C-G. GRCh37 (hg19) VCF-style: chr1-197073082-C-G.
Other names: c.4066-7788G>C (NM_001206846.2); short protein forms A1767P.
Identifiers: ClinVar variation 157833 (VCV000157833.26), dbSNP rs142536561, ClinGen allele CA241074.